The following is an entry in ClinVar:

ClinVar aggregate classification (germline): Uncertain significance. Review status: criteria provided, multiple submitters, no conflicts (2 of 4 stars). 4 submissions from 4 submitters: Uncertain significance (3). 1 of the submissions does not count toward it. Last evaluated 2025-07-29.

Conditions:
A2ML1-related disorder. Also called: A2ML1-related condition.

Allele frequency attached by ClinVar (database versions not stated): gnomAD exomes below 0.00001 and 0.00002; ExAC 0.00001; gnomAD 0.00002 and 0.00003; TOPMed 0.00003.

Submissions (4):

Ambry Genetics
Classification: Uncertain significance. Last evaluated: 2025-07-29. Review status: criteria provided, single submitter. Criteria: Ambry Variant Classification Scheme 2023. Collection method: clinical testing. Allele origin: germline.
Comment: The p.K218R variant (also known as c.653A>G), located in coding exon 7 of the A2ML1 gene, results from an A to G substitution at nucleotide position 653. The lysine at codon 218 is replaced by arginine, an amino acid with highly similar properties. This amino acid position is conserved. In addition, this alteration is predicted to be tolerated by in silico analysis. Since supporting evidence is limited at this time, the clinical significance of this alteration remains unclear.

Labcorp Genetics (formerly Invitae), Labcorp
Classification: Uncertain significance. Last evaluated: 2024-10-29. Review status: criteria provided, single submitter. Criteria: Invitae Variant Classification Sherloc (09022015). Collection method: clinical testing. Allele origin: germline.
Comment: This sequence change replaces lysine, which is basic and polar, with arginine, which is basic and polar, at codon 218 of the A2ML1 protein (p.Lys218Arg). This variant is present in population databases (no rsID available, gnomAD 0.009%). This variant has not been reported in the literature in individuals affected with A2ML1-related conditions. ClinVar contains an entry for this variant (Variation ID: 974993). An algorithm developed to predict the effect of missense changes on protein structure and function outputs the following: PolyPhen-2: "Benign". The arginine amino acid residue is found in multiple mammalian species, which suggests that this missense change does not adversely affect protein function. In summary, the available evidence is currently insufficient to determine the role of this variant in disease. Therefore, it has been classified as a Variant of Uncertain Significance.

Women's Health and Genetics/Laboratory Corporation of America, LabCorp
Classification: Uncertain significance. Last evaluated: 2020-07-20. Review status: criteria provided, single submitter. Criteria: LabCorp Variant Classification Summary - May 2015. Collection method: clinical testing. Allele origin: germline.
Comment: Variant summary: A2ML1 c.653A>G (p.Lys218Arg) results in a conservative amino acid change located in the Macroglobulin domain MG3 (IPR041555) of the encoded protein sequence. Four of five in-silico tools predict a benign effect of the variant on protein function. The variant allele was found at a frequency of 2e-05 in 249542 control chromosomes. The available data on variant occurrences in the general population are insufficient to allow any conclusion about variant significance. To our knowledge, no occurrence of c.653A>G in individuals affected with Noonan Syndrome and no experimental evidence demonstrating its impact on protein function have been reported. No clinical diagnostic laboratories have submitted clinical-significance assessments for this variant to ClinVar after 2014. Based on the evidence outlined above, the variant was classified as uncertain significance.

PreventionGenetics, part of Exact Sciences
Classification: Uncertain significance for A2ML1-related condition. Last evaluated: 2024-06-27. Review status: no assertion criteria provided. Collection method: clinical testing. Allele origin: germline. Not counted in ClinVar's aggregate classification.
Comment: The A2ML1 c.653A>G variant is predicted to result in the amino acid substitution p.Lys218Arg. To our knowledge, this variant has not been reported in the literature. This variant is reported in 0.0087% of alleles in individuals of Latino descent in gnomAD. At this time, the clinical significance of this variant is uncertain due to the absence of conclusive functional and genetic evidence.

NM_144670.6(A2ML1):c.653A>G (p.Lys218Arg)

Gene: A2ML1 (alpha-2-macroglobulin like 1; plus strand). Cytogenetic location: 12p13.31.
Variant type: single nucleotide variant.
Coding change: c.653A>G on transcript NM_144670.6 (MANE Select); coding-DNA position 653, A replaced by G.
Protein change: p.Lys218Arg; replaces lysine 218 with arginine.
Molecular consequence: missense variant.
Genome position (GRCh38, 1-based): chr12:8,836,264, A>G. VCF-style: chr12-8836264-A-G. GRCh37 (hg19) VCF-style: chr12-8988860-A-G.
Other names: c.653A>G (NM_144670.3); short protein forms K218R.
Identifiers: ClinVar variation 974993 (VCV000974993.11), dbSNP rs1253780933, ClinGen allele CA6435387.